The following is an entry in ClinVar:

NM_001793.6(CDH3):c.1175C>T (p.Thr392Ile)

Gene: CDH3 (cadherin 3; plus strand). Cytogenetic location: 16q22.1.
Variant type: single nucleotide variant.
Coding change: c.1175C>T on transcript NM_001793.6 (MANE Select); coding-DNA position 1175, C replaced by T.
Protein change: p.Thr392Ile; replaces threonine 392 with isoleucine.
Molecular consequence: missense variant.
Genome position (GRCh38, 1-based): chr16:68,682,480, C>T. VCF-style: chr16-68682480-C-T. GRCh37 (hg19) VCF-style: chr16-68716383-C-T.
Other names: c.1175C>T, p.Thr392Ile (NM_001317195.3); c.1010C>T, p.Thr337Ile (NM_001317196.2); short protein forms T392I, T337I.
Identifiers: ClinVar variation 1389401 (VCV001389401.7), dbSNP rs1252198505, ClinGen allele CA396453447.
Genomic context (GRCh38, chr16:68,682,480, plus strand): 5'-ACGACGGGGACCATTTTACCATCACCACCCACCCTGAGAGCAACCAGGGCATCCTGACAA[C>T]CAGGAAGGTGAGTCAGTTCGGGCCTCAGACAATGGCTATACCTGGGGCAGTCAGGTCTGC-3'
Protein context (NP_001784.2, residues 382-402): HPESNQGILT[Thr392Ile]RKGLDFEAKN

ClinVar aggregate classification (germline): Uncertain significance (1 of 4 stars; one submission).

Allele frequency attached by ClinVar (database versions not stated): gnomAD exomes below 0.00001; TOPMed below 0.00001.
gnomAD v4.1: 2 of 1,614,044 alleles (0.00012%); highest among the groups gnomAD compares: Admixed American, 0.0017%; no homozygotes.

Submission:

Labcorp Genetics (formerly Invitae), Labcorp
Classification: Uncertain significance. Last evaluated: 2025-01-27. Review status: criteria provided, single submitter. Criteria: Invitae Variant Classification Sherloc (09022015). Collection method: clinical testing. Allele origin: germline.
Comment: This sequence change replaces threonine, which is neutral and polar, with isoleucine, which is neutral and non-polar, at codon 392 of the CDH3 protein (p.Thr392Ile). This variant is not present in population databases (gnomAD no frequency). This variant has not been reported in the literature in individuals affected with CDH3-related conditions. ClinVar contains an entry for this variant (Variation ID: 1389401). Invitae Evidence Modeling of protein sequence and biophysical properties (such as structural, functional, and spatial information, amino acid conservation, physicochemical variation, residue mobility, and thermodynamic stability) indicates that this missense variant is not expected to disrupt CDH3 protein function with a negative predictive value of 80%. In summary, the available evidence is currently insufficient to determine the role of this variant in disease. Therefore, it has been classified as a Variant of Uncertain Significance.